The following is an entry in ClinVar:

ClinVar aggregate classification (germline): Uncertain significance (1 of 4 stars; one submission).

Conditions:
Pulmonary hypertension, primary, 3. Identifiers: Orphanet 422, MedGen C3809192, MONDO:0014135, OMIM 615343.

Allele frequency attached by ClinVar (database versions not stated): ExAC 0.00001; gnomAD exomes 0.00002; gnomAD 0.00003; TOPMed 0.00004.
gnomAD v4.1: 13 of 1,613,070 alleles (0.00081%); highest among the groups gnomAD compares: Admixed American, 0.01%; no homozygotes.

Submission:

Labcorp Genetics (formerly Invitae), Labcorp
Classification: Uncertain significance for Pulmonary hypertension, primary, 3. Last evaluated: 2025-12-01. Review status: criteria provided, single submitter. Criteria: Invitae Variant Classification Sherloc (09022015). Collection method: clinical testing. Allele origin: germline.
Comment: This sequence change replaces valine, which is neutral and non-polar, with methionine, which is neutral and non-polar, at codon 71 of the CAV1 protein (p.Val71Met). The frequency data for this variant in the population databases is considered unreliable, as metrics indicate poor data quality at this position in the gnomAD database. This variant has not been reported in the literature in individuals affected with CAV1-related conditions. ClinVar contains an entry for this variant (Variation ID: 2198126). An algorithm developed to predict the effect of missense changes on protein structure and function (PolyPhen-2) suggests that this variant is likely to be disruptive. In summary, the available evidence is currently insufficient to determine the role of this variant in disease. Therefore, it has been classified as a Variant of Uncertain Significance.

NM_001753.5(CAV1):c.211G>A (p.Val71Met)

Gene: CAV1 (caveolin 1; plus strand). Cytogenetic location: 7q31.2.
Variant type: single nucleotide variant.
Coding change: c.211G>A on transcript NM_001753.5 (MANE Select); coding-DNA position 211, G replaced by A.
Protein change: p.Val71Met; replaces valine 71 with methionine.
Molecular consequence: missense variant.
Genome position (GRCh38, 1-based): chr7:116,558,961, G>A. VCF-style: chr7-116558961-G-A. GRCh37 (hg19) VCF-style: chr7-116199015-G-A.
Other names: c.118G>A, p.Val40Met (NM_001172895.1, NM_001172896.2, NM_001172897.2); short protein forms V40M, V71M.
Identifiers: ClinVar variation 2198126 (VCV002198126.4), dbSNP rs758349129, ClinGen allele CA4447850.